The following is an entry in ClinVar:

NM_001371623.1(TCOF1):c.2905G>A (p.Ala969Thr)

Gene: TCOF1 (treacle ribosome biogenesis factor 1; plus strand). Cytogenetic location: 5q32.
Variant type: single nucleotide variant.
Coding change: c.2905G>A on transcript NM_001371623.1 (MANE Select); coding-DNA position 2905, G replaced by A.
Protein change: p.Ala969Thr; replaces alanine 969 with threonine.
Molecular consequence: missense variant.
Genome position (GRCh38, 1-based): chr5:150,387,947, G>A. VCF-style: chr5-150387947-G-A. GRCh37 (hg19) VCF-style: chr5-149767510-G-A.
Other names: c.2674G>A, p.Ala892Thr (NM_000356.4, NM_001135245.2); c.2905G>A, p.Ala969Thr (NM_001135243.2, NM_001135244.2, NM_001195141.2); c.2905G>A (NM_001135243.1); short protein forms A969T, A892T.
Identifiers: ClinVar variation 1421327 (VCV001421327.10), dbSNP rs187522917, ClinGen allele CA3511337.

ClinVar aggregate classification (germline): Conflicting classifications of pathogenicity. Review status: criteria provided, conflicting classifications (1 of 4 stars). 3 submissions from 3 submitters: Uncertain significance (2); Likely benign (1). Last evaluated 2025-09-10.

Conditions:
Inborn genetic diseases. Identifiers: MedGen C0950123, MeSH D030342.
Treacher Collins syndrome 1 (TCS1). Also called: TCOF1-Related Treacher Collins Syndrome. Identifiers: Orphanet 861, MedGen CN315775, MONDO:0007944, OMIM 154500.

Allele frequency attached by ClinVar (database versions not stated): gnomAD exomes 0.00002 and 0.00007; TOPMed 0.00003; ExAC 0.00004.

Submissions (3):

Ambry Genetics
Classification: Uncertain significance for Inborn genetic diseases. Last evaluated: 2025-09-10. Review status: criteria provided, single submitter. Criteria: Ambry Variant Classification Scheme 2023. Collection method: clinical testing. Allele origin: germline.

Labcorp Genetics (formerly Invitae), Labcorp
Classification: Uncertain significance for Treacher Collins syndrome 1. Last evaluated: 2022-10-04. Review status: criteria provided, single submitter. Criteria: Invitae Variant Classification Sherloc (09022015). Collection method: clinical testing. Allele origin: germline.
Comment: This variant has not been reported in the literature in individuals affected with TCOF1-related conditions. In summary, the available evidence is currently insufficient to determine the role of this variant in disease. Therefore, it has been classified as a Variant of Uncertain Significance. Algorithms developed to predict the effect of sequence changes on RNA splicing suggest that this variant may disrupt the consensus splice site. Algorithms developed to predict the effect of missense changes on protein structure and function are either unavailable or do not agree on the potential impact of this missense change (SIFT: "Deleterious"; PolyPhen-2: "Probably Damaging"; Align-GVGD: "Class C0"). ClinVar contains an entry for this variant (Variation ID: 1421327). This variant is present in population databases (rs187522917, gnomAD 0.005%). This sequence change replaces alanine, which is neutral and non-polar, with threonine, which is neutral and polar, at codon 969 of the TCOF1 protein (p.Ala969Thr).

Blueprint Genetics
Classification: Likely benign. Last evaluated: 2022-07-11. Review status: criteria provided, single submitter. Criteria: ACMG Guidelines, 2015. Collection method: clinical testing. Allele origin: germline.